The following is an entry in ClinVar:

ClinVar aggregate classification (germline): Pathogenic/Likely pathogenic. Review status: criteria provided, multiple submitters, no conflicts (2 of 4 stars). 2 submissions from 2 submitters: Pathogenic (1); Likely pathogenic (1). Last evaluated 2024-03-08.

Conditions:
Vanishing white matter disease. Also called: Childhood ataxia with diffuse central nervous system hypomyelination; Leukoencephalopathy with vanishing white matter; CACH/VWM syndrome; Cree leukoencehalopathy; CACH syndrome. Identifiers: Orphanet 135, Orphanet 99853, MedGen C1858991, MONDO:0800448.

Allele frequency attached by ClinVar (database versions not stated): gnomAD exomes below 0.00001; ExAC 0.00001.

Submissions (2):

Natera, Inc.
Classification: Likely pathogenic for Leukoencephalopathy with vanishing white matter. Last evaluated: 2024-03-08. Review status: criteria provided, single submitter. Criteria: Natera Variant Classification Schema (03/2026). Collection method: clinical testing. Allele origin: germline.
Comment: The c.1201C>T variant in EIF2B5 is a nonsense variant predicted to introduce a stop codon at amino acid 401. This variant is expected to result in nonsense mediated decay, truncation, or a dysfunctional protein product. This variant is rare in the general population with a frequency below the threshold expected for the associated phenotype(s). Given the available evidence, this variant is classified as Likely Pathogenic.

Labcorp Genetics (formerly Invitae), Labcorp
Classification: Pathogenic. Last evaluated: 2023-05-27. Review status: criteria provided, single submitter. Criteria: Invitae Variant Classification Sherloc (09022015). Collection method: clinical testing. Allele origin: germline.
Comment: For these reasons, this variant has been classified as Pathogenic. Algorithms developed to predict the effect of sequence changes on RNA splicing suggest that this variant may disrupt the consensus splice site. ClinVar contains an entry for this variant (Variation ID: 1069586). This variant has not been reported in the literature in individuals affected with EIF2B5-related conditions. This variant is present in population databases (rs776478626, gnomAD 0.004%). This sequence change creates a premature translational stop signal (p.Arg401*) in the EIF2B5 gene. It is expected to result in an absent or disrupted protein product. Loss-of-function variants in EIF2B5 are known to be pathogenic (PMID: 11704758, 15060152, 21307862).

Literature cited by the submitters: PubMed 11704758 (cited by Labcorp Genetics (formerly Invitae), Labcorp); PubMed 15060152 (cited by Labcorp Genetics (formerly Invitae), Labcorp); PubMed 21307862 (cited by Labcorp Genetics (formerly Invitae), Labcorp).

NM_003907.3(EIF2B5):c.1201C>T (p.Arg401Ter)

Gene: EIF2B5 (eukaryotic translation initiation factor 2B subunit epsilon; plus strand). Cytogenetic location: 3q27.1.
Variant type: single nucleotide variant.
Coding change: c.1201C>T on transcript NM_003907.3 (MANE Select); coding-DNA position 1201, C replaced by T.
Protein change: p.Arg401Ter; replaces arginine 401 with a stop codon.
Molecular consequence: nonsense.
Genome position (GRCh38, 1-based): chr3:184,141,969, C>T. VCF-style: chr3-184141969-C-T. GRCh37 (hg19) VCF-style: chr3-183859757-C-T.
Other names: c.1201C>T (NM_003907.2); short protein forms R401*.
Identifiers: ClinVar variation 1069586 (VCV001069586.8), dbSNP rs776478626, ClinGen allele CA2726618.